The following is an entry in ClinVar:

ClinVar aggregate classification (germline): Pathogenic (1 of 4 stars; one submission).

Submission:

Labcorp Genetics (formerly Invitae), Labcorp
Classification: Pathogenic. Last evaluated: 2025-08-17. Review status: criteria provided, single submitter. Criteria: Invitae Variant Classification Sherloc (09022015). Collection method: clinical testing. Allele origin: germline.
Comment: This sequence change creates a premature translational stop signal (p.Ala153Argfs*69) in the EPHB4 gene. It is expected to result in an absent or disrupted protein product. Loss-of-function variants in EPHB4 are known to be pathogenic (PMID: 28687708). This variant is not present in population databases (gnomAD no frequency). This variant has not been reported in the literature in individuals affected with EPHB4-related conditions. For these reasons, this variant has been classified as Pathogenic.

Literature cited by the submitters: PubMed 28687708.

NM_004444.5(EPHB4):c.456_457del (p.Ala153fs)

Gene: EPHB4 (EPH receptor B4; minus strand). Cytogenetic location: 7q22.1.
Variant type: Deletion.
Coding change: c.456_457del on transcript NM_004444.5 (MANE Select); coding-DNA positions 456 to 457, 2 bases deleted (GG; older notation c.456_457delGG).
Protein change: p.Ala153fs; shifts the reading frame from alanine 153.
Molecular consequence: frameshift variant.
Genome position (GRCh38, 1-based): chr7:100,822,622-100,822,623, CC deleted on the plus strand (GG on the coding strand, the reverse complement: EPHB4 is on the minus strand); deleting any 2 consecutive bases within chr7:100,822,622-100,822,625 gives the same sequence; the c. name uses the placement nearest the transcript's 3' end. VCF-style (leftmost placement, unchanged base first): chr7-100822621-GCC-G. GRCh37 (hg19) VCF-style: chr7-100420243-GCC-G.
Other names: short protein forms A153fs.
Identifiers: ClinVar variation 4725552 (VCV004725552.1).